The following is an entry in ClinVar:

ClinVar aggregate classification (germline): Uncertain significance. Review status: criteria provided, multiple submitters, no conflicts (2 of 4 stars). 2 submissions from 2 submitters: Uncertain significance (2). Last evaluated 2026-01-05.

Conditions:
Chédiak-Higashi syndrome (CHS). Also called: Chediak-Higashi Syndrome. Identifiers: Orphanet 167, MedGen C0007965, MONDO:0008963, OMIM 214500.

Allele frequency attached by ClinVar (database versions not stated): gnomAD exomes 0.00001; TOPMed below 0.00001; ExAC 0.00001.
gnomAD v4.1: 3 of 1,613,964 alleles (0.00019%); highest among the groups gnomAD compares: East Asian, 0.0067%; no homozygotes.

Submissions (2):

Dasa
Classification: Uncertain significance. Last evaluated: 2026-01-05. Review status: criteria provided, single submitter. Criteria: DASA Assertion Criteria. Collection method: clinical testing. Allele origin: germline.
Comment: NM_000081.4(LYST):c.8803G>A (p.Ala2935Thr) is a missense variant that results in the substitution of alanine with threonine. This variant is rare in population databases. Computational prediction algorithms are consistent with a deleterious effect. The currently available literature and clinical evidence are not sufficient to establish a definitive association between this variant and the reported condition. Therefore, this variant is classified as a variant of uncertain significance.

Labcorp Genetics (formerly Invitae), Labcorp
Classification: Uncertain significance for Chédiak-Higashi syndrome. Last evaluated: 2021-04-08. Review status: criteria provided, single submitter. Criteria: Invitae Variant Classification Sherloc (09022015). Collection method: clinical testing. Allele origin: germline.
Comment: This sequence change replaces alanine with threonine at codon 2935 of the LYST protein (p.Ala2935Thr). The alanine residue is highly conserved and there is a small physicochemical difference between alanine and threonine. In summary, the available evidence is currently insufficient to determine the role of this variant in disease. Therefore, it has been classified as a Variant of Uncertain Significance. Algorithms developed to predict the effect of missense changes on protein structure and function (SIFT, PolyPhen-2, Align-GVGD) all suggest that this variant is likely to be tolerated, but these predictions have not been confirmed by published functional studies and their clinical significance is uncertain. This variant has not been reported in the literature in individuals with LYST-related conditions. This variant is present in population databases (rs769915731, ExAC 0.01%).

NM_000081.4(LYST):c.8803G>A (p.Ala2935Thr)

Gene: LYST (lysosomal trafficking regulator; minus strand). Cytogenetic location: 1q42.3.
Variant type: single nucleotide variant.
Coding change: c.8803G>A on transcript NM_000081.4 (MANE Select); coding-DNA position 8803, G replaced by A.
Protein change: p.Ala2935Thr; replaces alanine 2935 with threonine.
Molecular consequence: missense variant.
Genome position (GRCh38, 1-based): chr1:235,731,176, C>T on the plus strand (G>A on the coding strand, the complement: LYST is on the minus strand). VCF-style: chr1-235731176-C-T. GRCh37 (hg19) VCF-style: chr1-235894476-C-T.
Other names: c.8803G>A, p.Ala2935Thr (NM_001301365.1); short protein forms A2935T.
Identifiers: ClinVar variation 1438440 (VCV001438440.9), dbSNP rs769915731, ClinGen allele CA1465754.
Genomic context (GRCh38, chr1:235,731,176, plus strand): 5'-GCCCTTCTGTTGGATCCAACTGCCATGAGGTTGGATAGTAGATGGGGTCATACCATACTG[C>T]TCTGCAAGTAAAAAGATTAAAGGGTGTTTTAAGTGACCATCCAGGACTTGTAGCTATAAA-3'
Protein context (NP_000072.2, residues 2925-2945): ELIQQLTHDR[Ala2935Thr]VWYDPIYYPT